The following is an entry in ClinVar:

NM_006096.4(NDRG1):c.794C>T (p.Ala265Val)

Genes: NDRG1 (N-myc downstream regulated 1; minus strand), LOC126860531 (CDK7 strongly-dependent group 2 enhancer GRCh37_chr8:134259869-134261068; plus strand). Cytogenetic location: 8q24.22.
Variant type: single nucleotide variant.
Coding change: c.794C>T on transcript NM_006096.4 (MANE Select); coding-DNA position 794, C replaced by T.
Protein change: p.Ala265Val; replaces alanine 265 with valine.
Molecular consequence: missense variant.
Genome position (GRCh38, 1-based): chr8:133,247,888, G>A on the plus strand (C>T on the coding strand, the complement: NDRG1 is on the minus strand). VCF-style: chr8-133247888-G-A. GRCh37 (hg19) VCF-style: chr8-134260131-G-A.
Other names: c.794C>T, p.Ala265Val (NM_001135242.2, NM_001374845.1, NM_001374846.1); c.596C>T, p.Ala199Val (NM_001258432.2, NM_001374847.1); c.551C>T, p.Ala184Val (NM_001258433.2); c.845C>T, p.Ala282Val (NM_001374844.1); short protein forms A199V, A282V, A184V, A265V.
Identifiers: ClinVar variation 940080 (VCV000940080.10), dbSNP rs1855777702, ClinGen allele CA372255047.

ClinVar aggregate classification (germline): Uncertain significance (1 of 4 stars; one submission).

Conditions:
Charcot-Marie-Tooth disease type 4. Also called: Charcot-Marie-Tooth disease, type IV; Charcot-Marie-Tooth, Type 4. Identifiers: Orphanet 64749, MedGen C4082197, MONDO:0018995.

Submission:

Labcorp Genetics (formerly Invitae), Labcorp
Classification: Uncertain significance for Charcot-Marie-Tooth disease type 4. Last evaluated: 2019-10-18. Review status: criteria provided, single submitter. Criteria: Invitae Variant Classification Sherloc (09022015). Collection method: clinical testing. Allele origin: germline.
Comment: In summary, the available evidence is currently insufficient to determine the role of this variant in disease. Therefore, it has been classified as a Variant of Uncertain Significance. This sequence change replaces alanine with valine at codon 265 of the NDRG1 protein (p.Ala265Val). The alanine residue is moderately conserved and there is a small physicochemical difference between alanine and valine. This variant is not present in population databases (ExAC no frequency). This variant has not been reported in the literature in individuals with NDRG1-related conditions. Algorithms developed to predict the effect of missense changes on protein structure and function are either unavailable or do not agree on the potential impact of this missense change (SIFT: "Tolerated"; PolyPhen-2: "Possibly Damaging"; Align-GVGD: "Class C0").